The following is an entry in ClinVar:

ClinVar aggregate classification (germline): Conflicting classifications of pathogenicity. Review status: criteria provided, conflicting classifications (1 of 4 stars). 2 submissions from 2 submitters: Uncertain significance (1); Likely benign (1). Last evaluated 2026-05-23.

Conditions:
Inborn genetic diseases. Identifiers: MedGen C0950123, MeSH D030342.

Allele frequency attached by ClinVar (database versions not stated): TOPMed 0.00002; gnomAD 0.00003; ExAC 0.00002.
gnomAD v4.1: 5 of 1,613,866 alleles (0.00031%); highest among the groups gnomAD compares: African/African-American, 0.0067%; no homozygotes.

Submissions (2):

Ambry Genetics
Classification: Uncertain significance for Inborn genetic diseases. Last evaluated: 2026-05-23. Review status: criteria provided, single submitter. Criteria: Ambry Variant Classification Scheme 2023. Collection method: clinical testing. Allele origin: germline.
Comment: The c.10263A>C (p.L3421F) alteration is located in exon 49 (coding exon 49) of the ADGRV1 gene. This alteration results from a A to C substitution at nucleotide position 10263, causing the leucine (L) at amino acid position 3421 to be replaced by a phenylalanine (F). Based on data from gnomAD, the C allele has an overall frequency of 0.001% (3/249196) total alleles studied. The highest observed frequency was 0.019% (3/15484) of African alleles. Based on insufficient or conflicting evidence, the clinical significance of this alteration remains unclear.

Labcorp Genetics (formerly Invitae), Labcorp
Classification: Likely benign. Last evaluated: 2022-05-19. Review status: criteria provided, single submitter. Criteria: Invitae Variant Classification Sherloc (09022015). Collection method: clinical testing. Allele origin: germline.

NM_032119.4(ADGRV1):c.10263A>C (p.Leu3421Phe)

Gene: ADGRV1 (adhesion G protein-coupled receptor V1; plus strand). Cytogenetic location: 5q14.3.
Variant type: single nucleotide variant.
Coding change: c.10263A>C on transcript NM_032119.4 (MANE Select); coding-DNA position 10263, A replaced by C.
Protein change: p.Leu3421Phe; replaces leucine 3421 with phenylalanine.
Molecular consequence: missense variant. On other transcripts: non-coding transcript variant (1).
Genome position (GRCh38, 1-based): chr5:90,728,770, A>C. VCF-style: chr5-90728770-A-C. GRCh37 (hg19) VCF-style: chr5-90024587-A-C.
Other names: c.10263A>C (NM_032119.3); short protein forms L3421F.
Identifiers: ClinVar variation 1946799 (VCV001946799.6), dbSNP rs777915766, ClinGen allele CA3340716.
Genomic context (GRCh38, chr5:90,728,770, plus strand): 5'-ACTCCCTGTCCGAGGTGTGCTGACCGTGGCCTTGTTCAACAAGGGAGGCTCTGTGTTCTT[A>C]GCCATTTCCCAGGCTAATGCCAGGCTAAACTCCCTTTTATTCAGATGGTCTGGCAGTGGG-3'
Protein context (NP_115495.3, residues 3411-3431): ALFNKGGSVF[Leu3421Phe]AISQANARLN